The following is an entry in ClinVar:

NM_005378.6(MYCN):c.557_558delinsTT (p.Cys186Phe)

Gene: MYCN (MYCN proto-oncogene, bHLH transcription factor; plus strand). Cytogenetic location: 2p24.3.
Variant type: Indel.
Coding change: c.557_558delinsTT on transcript NM_005378.6 (MANE Select); coding-DNA positions 557 to 558, GC replaced by TT.
Protein change: p.Cys186Phe; replaces cysteine 186 with phenylalanine.
Molecular consequence: missense variant. On other transcripts: 3 prime UTR variant (1), intron variant (1).
Genome position (GRCh38, 1-based): chr2:15,942,621-15,942,622, GC replaced by TT. VCF-style: chr2-15942621-GC-TT. GRCh37 (hg19) VCF-style: chr2-16082743-GC-TT.
Other names: c.557_558delinsTT, p.Cys186Phe (NM_001293228.2); c.*492_*493delinsTT (NM_001293233.2); c.157+1878_157+1879delinsTT (NM_001293231.2); short protein forms C186F.
Identifiers: ClinVar variation 2499959 (VCV002499959.1), dbSNP rs2527927126, ClinGen allele CA2580063667.
Genomic context (GRCh38, chr2:15,942,621, plus strand): 5'-CGGGAGCCGGCCGCGCCGGGGCCGCCCTGCCCGCCGAGCTCGCCCACCCGGCCGCCGAGT[GC>TT]GTGGATCCCGCCGTGGTCTTCCCCTTTCCCGTGAACAAGCGCGAGCCAGCGCCCGTGCCC-3'
Protein context (NP_005369.2, residues 176-196): PAELAHPAAE[Cys186Phe]VDPAVVFPFP

ClinVar aggregate classification (germline): Uncertain significance (1 of 4 stars; one submission).

Submission:

GeneDx
Classification: Uncertain significance. Last evaluated: 2023-04-21. Review status: criteria provided, single submitter. Criteria: GeneDx Variant Classification Process June 2021. Collection method: clinical testing. Allele origin: germline. Affected: yes.
Comment: Not observed at significant frequency in large population cohorts (gnomAD); In silico analysis supports a deleterious effect on protein structure/function; Has not been previously published as pathogenic or benign to our knowledge; This variant is associated with the following publications: (PMID: 27535533)